The following is an entry in ClinVar:

NM_000543.5(SMPD1):c.476G>A (p.Cys159Tyr)

Gene: SMPD1 (sphingomyelin phosphodiesterase 1; plus strand). Cytogenetic location: 11p15.4.
Variant type: single nucleotide variant.
Coding change: c.476G>A on transcript NM_000543.5 (MANE Select); coding-DNA position 476, G replaced by A.
Protein change: p.Cys159Tyr; replaces cysteine 159 with tyrosine.
Molecular consequence: missense variant. On other transcripts: 5 prime UTR variant (1), non-coding transcript variant (1).
Genome position (GRCh38, 1-based): chr11:6,391,541, G>A. VCF-style: chr11-6391541-G-A. GRCh37 (hg19) VCF-style: chr11-6412771-G-A.
Other names: c.473G>A, p.Cys158Tyr (NM_001007593.3); c.476G>A, p.Cys159Tyr (NM_001318087.2, NM_001365135.2); c.-486G>A (NM_001318088.2); short protein forms C159Y, C158Y.
Identifiers: ClinVar variation 2166808 (VCV002166808.5), dbSNP rs2493804273, ClinGen allele CA379369516.

ClinVar aggregate classification (germline): Conflicting classifications of pathogenicity. Review status: criteria provided, conflicting classifications (1 of 4 stars). 2 submissions from 2 submitters: Likely pathogenic (1); Uncertain significance (1). Last evaluated 2026-05-21.

Conditions:
Niemann-Pick disease, type B. Also called: Chronic Visceral ASMD (Niemann-Pick Disease Type B; NPD-B). Identifiers: Orphanet 77293, MedGen C0268243, MONDO:0011871, OMIM 607616. Disease mechanism: loss of function.
Niemann-Pick disease, type A. Also called: SPHINGOMYELIN LIPIDOSIS; SPHINGOMYELINASE DEFICIENCY; Infantile Neurovisceral ASMD (Niemann-Pick Disease Type A; NPD-A). Identifiers: Orphanet 77292, MedGen C0268242, MONDO:0009756, OMIM 257200. Disease mechanism: loss of function.
Acid sphingomyelinase deficiency. Identifiers: Orphanet 618899, MedGen C5243927, MONDO:0100464.

Allele frequency attached by ClinVar (database versions not stated): gnomAD exomes 0.00001.
gnomAD v4.1: 15 of 1,613,974 alleles (0.00093%); highest among the groups gnomAD compares: Non-Finnish European, 0.0012%; no homozygotes.

Submissions (2):

Myriad Genetics, Inc.
Classification: Uncertain significance for Acid sphingomyelinase deficiency. Last evaluated: 2026-05-21. Review status: criteria provided, single submitter. Criteria: Myriad Autosomal Dominant, Autosomal Recessive and X-Linked Classification Criteria (2023). Collection method: clinical testing. Allele origin: unknown.
Comment: NM_000543.4(SMPD1):c.476G>A(C159Y) is a missense variant classified as a variant of uncertain significance in the context of Niemann-Pick disease, SMPD1-related. C159Y has not been observed in cases with relevant disease. Relevant functional assessments of this variant are not available in the literature. C159Y has not been observed in referenced population frequency databases. In summary, there is insufficient evidence to classify NM_000543.4(SMPD1):c.476G>A(C159Y) as pathogenic or benign. Please note: this variant was assessed in the context of healthy population screening.

Labcorp Genetics (formerly Invitae), Labcorp
Classification: Likely pathogenic for Niemann-Pick disease, type B; Niemann-Pick disease, type A. Last evaluated: 2024-02-07. Review status: criteria provided, single submitter. Criteria: Invitae Variant Classification Sherloc (09022015). Collection method: clinical testing. Allele origin: germline.
Comment: This sequence change replaces cysteine, which is neutral and slightly polar, with tyrosine, which is neutral and polar, at codon 159 of the SMPD1 protein (p.Cys159Tyr). This variant is not present in population databases (gnomAD no frequency). This variant has not been reported in the literature in individuals affected with SMPD1-related conditions. ClinVar contains an entry for this variant (Variation ID: 2166808). Advanced modeling of protein sequence and biophysical properties (such as structural, functional, and spatial information, amino acid conservation, physicochemical variation, residue mobility, and thermodynamic stability) performed at Invitae indicates that this missense variant is expected to disrupt SMPD1 protein function with a positive predictive value of 95%. This variant disrupts the p.Cys159 amino acid residue in SMPD1. Other variant(s) that disrupt this residue have been determined to be pathogenic (PMID: 16434659, 17011332; Invitae). This suggests that this residue is clinically significant, and that variants that disrupt this residue are likely to be disease-causing. In summary, the currently available evidence indicates that the variant is pathogenic, but additional data are needed to prove that conclusively. Therefore, this variant has been classified as Likely Pathogenic.

Literature cited by the submitters: PubMed 16434659 (cited by Labcorp Genetics (formerly Invitae), Labcorp); PubMed 17011332 (cited by Labcorp Genetics (formerly Invitae), Labcorp).